The following is an entry in ClinVar:

ClinVar aggregate classification (germline): Likely pathogenic. Review status: criteria provided, multiple submitters, no conflicts (2 of 4 stars). 4 submissions from 4 submitters: Likely pathogenic (3). 1 of the submissions does not count toward it. Last evaluated 2025-06-25.

Conditions:
Glycine encephalopathy. Also called: Nonketotic hyperglycinemia; Non-ketotic hyperglycinemia. Identifiers: Orphanet 407, MedGen C0751748, MONDO:0011612, HP:0008288.

Allele frequency attached by ClinVar (database versions not stated): gnomAD exomes below 0.00001; TOPMed 0.00001.
gnomAD v4.1: 5 of 1,610,736 alleles (0.00031%); highest among the groups gnomAD compares: East Asian, 0.0022%; no homozygotes.

Submissions (4):

Women's Health and Genetics/Laboratory Corporation of America, LabCorp
Classification: Likely pathogenic for Glycine encephalopathy. Last evaluated: 2025-06-25. Review status: criteria provided, single submitter. Criteria: LabCorp Variant Classification Summary - May 2015. Collection method: clinical testing. Allele origin: germline.
Comment: Variant summary: GLDC c.2838+5G>A alters a non-conserved nucleotide located close to a canonical splice site and therefore could affect mRNA splicing, leading to a significantly altered protein sequence. Several computational tools predict a significant impact on normal splicing: Four predict the variant weakens a 5' donor site. However, these predictions have yet to be confirmed by functional studies. The variant allele was found at a frequency of 4e-06 in 250928 control chromosomes. c.2838+5G>A has been reported in the literature in the compound heterozygous state in at least four individuals affected with Glycine Encephalopathy (Non-Ketotic Hyperglycinemia) (e.g. Conter_2006, Swanson_2015, Coughlin_2017, internal data). These data indicate that the variant is likely to be associated with disease. To our knowledge, no experimental evidence demonstrating an impact on protein function has been reported. The following publications have been ascertained in the context of this evaluation (PMID: 16601880, 27362913, 26179960). ClinVar contains an entry for this variant (Variation ID: 56087). Based on the evidence outlined above, the variant was classified as likely pathogenic.

Labcorp Genetics (formerly Invitae), Labcorp
Classification: Likely pathogenic for Glycine encephalopathy. Last evaluated: 2023-12-25. Review status: criteria provided, single submitter. Criteria: Invitae Variant Classification Sherloc (09022015). Collection method: clinical testing. Allele origin: germline.
Comment: This sequence change falls in intron 23 of the GLDC gene. It does not directly change the encoded amino acid sequence of the GLDC protein. It affects a nucleotide within the consensus splice site. This variant is present in population databases (rs386833568, gnomAD 0.006%). This variant has been observed in individual(s) with glycine encephalopathy (PMID: 27362913). ClinVar contains an entry for this variant (Variation ID: 56087). Variants that disrupt the consensus splice site are a relatively common cause of aberrant splicing (PMID: 17576681, 9536098). Algorithms developed to predict the effect of sequence changes on RNA splicing suggest that this variant may disrupt the consensus splice site. In summary, the currently available evidence indicates that the variant is pathogenic, but additional data are needed to prove that conclusively. Therefore, this variant has been classified as Likely Pathogenic.

Fulgent Genetics
Classification: Likely pathogenic for Glycine encephalopathy 1. Last evaluated: 2022-03-22. Review status: criteria provided, single submitter. Criteria: ACMG Guidelines, 2015. Collection method: clinical testing. Allele origin: unknown.

Juha Muilu Group; Institute for Molecular Medicine Finland (FIMM)
Classification: Likely pathogenic for Non-ketotic hyperglycinemia. Review status: no assertion criteria provided. Collection method: not provided. Allele origin: unknown. Not counted in ClinVar's aggregate classification.
Comment: FinDis database variant: This variant was not found or characterized by our laboratory, data were collected from public sources: see reference
ClinVar note: Converted during submission from probable-pathogenic to Likely pathogenic.

Literature cited by the submitters: PubMed 16601880 (cited by Women's Health and Genetics/Laboratory Corporation of America, LabCorp); PubMed 26179960 (cited by Women's Health and Genetics/Laboratory Corporation of America, LabCorp); PubMed 27362913 (cited by Women's Health and Genetics/Laboratory Corporation of America, LabCorp and Labcorp Genetics (formerly Invitae), Labcorp); PubMed 17576681 (cited by Labcorp Genetics (formerly Invitae), Labcorp); PubMed 9536098 (cited by Labcorp Genetics (formerly Invitae), Labcorp).

NM_000170.3(GLDC):c.2838+5G>A

Gene: GLDC (glycine decarboxylase; minus strand). Cytogenetic location: 9p24.1.
Variant type: single nucleotide variant.
Coding change: c.2838+5G>A on transcript NM_000170.3 (MANE Select); 5 bases into the intron after coding-DNA position 2838, G replaced by A.
Molecular consequence: intron variant.
Genome position (GRCh38, 1-based): chr9:6,536,059, C>T on the plus strand (G>A on the coding strand, the complement: GLDC is on the minus strand). VCF-style: chr9-6536059-C-T. GRCh37 (hg19) VCF-style: chr9-6536059-C-T.
Identifiers: ClinVar variation 56087 (VCV000056087.12), dbSNP rs386833568, ClinGen allele CA263398.